The following is an entry in ClinVar:

NM_018133.4(MSL2):c.3G>A (p.Met1Ile)

Gene: MSL2 (MSL complex subunit 2; minus strand). Cytogenetic location: 3q22.3.
Variant type: single nucleotide variant.
Coding change: c.3G>A on transcript NM_018133.4 (MANE Select); coding-DNA position 3, G replaced by A.
Protein change: p.Met1Ile; changes the start codon (methionine 1).
Molecular consequence: missense variant, initiator codon variant.
Genome position (GRCh38, 1-based): chr3:136,195,111, C>T on the plus strand (G>A on the coding strand, the complement: MSL2 is on the minus strand). VCF-style: chr3-136195111-C-T. GRCh37 (hg19) VCF-style: chr3-135913953-C-T.
Other names: short protein forms M1I.
Identifiers: ClinVar variation 4855595 (VCV004855595.1).
Genomic context (GRCh38, chr3:136,195,111, plus strand): 5'-GTCGTAGTTGAGCACTAGGCGGCTCGCGGAAATGTAGAGAGCAGTAGCATTCACGGGGTT[C>T]ATTGCAGACACTTCGACACCAATGGCTCCCGGTTGAAAAGAAATTCCGGATCCAACTTAG-3'
Protein context (NP_060603.2, residues 1-11): [Met1Ile]NPVNATALYI

ClinVar aggregate classification (germline): Uncertain significance (1 of 4 stars; one submission).

Conditions:
Karayol-Borroto-Haghshenas neurodevelopmental syndrome. Identifiers: MedGen C5975476, MONDO:0975836, OMIM 620985.

Submission:

3billion
Classification: Uncertain significance for Karayol-Borroto-Haghshenas neurodevelopmental syndrome. Last evaluated: 2025-12-26. Review status: criteria provided, single submitter. Criteria: ACMG Guidelines, 2015. Collection method: clinical testing. Allele origin: germline. Affected: yes.
Comment: The variant is not observed in the gnomAD v4.1.0 dataset. Predicted Consequence/Location: Start lost variant. Start loss variant (NM_018133.4:c.1A>G) was reported in a patient with MSL2 related disorder (PMID: 38815585) Therefore, this variant is classified as VUS according to the recommendation of ACMG/AMP guideline.